The following is an entry in ClinVar:

ClinVar aggregate classification (germline): Uncertain significance (1 of 4 stars; one submission).

Submission:

Labcorp Genetics (formerly Invitae), Labcorp
Classification: Uncertain significance. Last evaluated: 2023-02-16. Review status: criteria provided, single submitter. Criteria: Invitae Variant Classification Sherloc (09022015). Collection method: clinical testing. Allele origin: germline.
Comment: This variant is not present in population databases (gnomAD no frequency). This sequence change replaces phenylalanine, which is neutral and non-polar, with leucine, which is neutral and non-polar, at codon 545 of the TWNK protein (p.Phe545Leu). This variant has not been reported in the literature in individuals affected with TWNK-related conditions. Advanced modeling of protein sequence and biophysical properties (such as structural, functional, and spatial information, amino acid conservation, physicochemical variation, residue mobility, and thermodynamic stability) performed at Invitae indicates that this missense variant is expected to disrupt TWNK protein function. In summary, the available evidence is currently insufficient to determine the role of this variant in disease. Therefore, it has been classified as a Variant of Uncertain Significance.

NM_021830.5(TWNK):c.1635T>G (p.Phe545Leu)

Gene: TWNK (twinkle mtDNA helicase; plus strand). Cytogenetic location: 10q24.31.
Variant type: single nucleotide variant.
Coding change: c.1635T>G on transcript NM_021830.5 (MANE Select); coding-DNA position 1635, T replaced by G.
Protein change: p.Phe545Leu; replaces phenylalanine 545 with leucine.
Molecular consequence: missense variant. On other transcripts: non-coding transcript variant (5).
Genome position (GRCh38, 1-based): chr10:100,990,911, T>G. VCF-style: chr10-100990911-T-G. GRCh37 (hg19) VCF-style: chr10-102750668-T-G.
Other names: c.1635T>G, p.Phe545Leu (NM_001163812.2); c.273T>G, p.Phe91Leu (NM_001163813.2, NM_001163814.2, NM_001368275.1); short protein forms F545L, F91L.
Identifiers: ClinVar variation 2838290 (VCV002838290.3), dbSNP rs1427367241, ClinGen allele CA378211370.